The following is an entry in ClinVar:

ClinVar aggregate classification (germline): Uncertain significance (1 of 4 stars; one submission).

Conditions:
Developmental and epileptic encephalopathy, 53. Also called: Epileptic encephalopathy, early infantile, 53. Identifiers: MedGen C4479313, MONDO:0033362, OMIM 617389.
Early-onset Parkinson disease 20. Also called: PARKINSON DISEASE 20, AUTOSOMAL RECESSIVE EARLY-ONSET. Identifiers: Orphanet 391411, MedGen C3809824, MONDO:0014233, OMIM 615530.

Allele frequency attached by ClinVar (database versions not stated): TOPMed below 0.00001; gnomAD 0.00001.

Submission:

Labcorp Genetics (formerly Invitae), Labcorp
Classification: Uncertain significance for Developmental and epileptic encephalopathy, 53; Early-onset Parkinson disease 20. Last evaluated: 2021-02-03. Review status: criteria provided, single submitter. Criteria: Invitae Variant Classification Sherloc (09022015). Collection method: clinical testing. Allele origin: germline.
Comment: In summary, the available evidence is currently insufficient to determine the role of this variant in disease. Therefore, it has been classified as a Variant of Uncertain Significance. Algorithms developed to predict the effect of missense changes on protein structure and function are either unavailable or do not agree on the potential impact of this missense change (SIFT: "Deleterious"; PolyPhen-2: "Probably Damaging"; Align-GVGD: "Class C0"). This variant has not been reported in the literature in individuals with SYNJ1-related conditions. This variant is not present in population databases (ExAC no frequency). This sequence change replaces valine with phenylalanine at codon 282 of the SYNJ1 protein (p.Val282Phe). The valine residue is highly conserved and there is a small physicochemical difference between valine and phenylalanine.

NM_203446.3(SYNJ1):c.727G>T (p.Val243Phe)

Gene: SYNJ1 (synaptojanin 1; minus strand). Cytogenetic location: 21q22.11.
Variant type: single nucleotide variant.
Coding change: c.727G>T on transcript NM_203446.3 (MANE Select); coding-DNA position 727, G replaced by T.
Protein change: p.Val243Phe; replaces valine 243 with phenylalanine.
Molecular consequence: missense variant.
Genome position (GRCh38, 1-based): chr21:32,694,290, C>A on the plus strand (G>T on the coding strand, the complement: SYNJ1 is on the minus strand). VCF-style: chr21-32694290-C-A. GRCh37 (hg19) VCF-style: chr21-34066600-C-A.
Other names: c.727G>T, p.Val243Phe (NM_001160302.2, NM_001160306.2); c.844G>T, p.Val282Phe (NM_003895.4); short protein forms V282F, V243F.
Identifiers: ClinVar variation 1467147 (VCV001467147.8), dbSNP rs754917573, ClinGen allele CA410097828.
Genomic context (GRCh38, chr21:32,694,290, plus strand): 5'-GCAACCCTGGTTGCTCCCAGAACAATGGAACAGATCCTCGGATTTGTATGAAGGAAGAAA[C>A]TGAGTCATCTAAGTACACAACCTACAGAAAAAAAAATAATATGTAAACTATTTCCACAGA-3'
Protein context (NP_982271.3, residues 233-253): TEQVVYLDDS[Val243Phe]SSFIQIRGSV